The following is an entry in ClinVar:

NM_016616.5(NME8):c.1645C>T (p.Pro549Ser)

Gene: NME8 (NME/NM23 family member 8; plus strand). Cytogenetic location: 7p14.1.
Variant type: single nucleotide variant.
Coding change: c.1645C>T on transcript NM_016616.5 (MANE Select); coding-DNA position 1645, C replaced by T.
Protein change: p.Pro549Ser; replaces proline 549 with serine.
Molecular consequence: missense variant.
Genome position (GRCh38, 1-based): chr7:37,896,970, C>T. VCF-style: chr7-37896970-C-T. GRCh37 (hg19) VCF-style: chr7-37936572-C-T.
Other names: short protein forms P549S.
Identifiers: ClinVar variation 1777135 (VCV001777135.2), dbSNP rs2483676466, ClinGen allele CA367217919.

ClinVar aggregate classification (germline): Uncertain significance (1 of 4 stars; one submission).

Conditions:
Primary ciliary dyskinesia. Also called: Ciliary dyskinesia. Identifiers: Orphanet 244, MedGen C0008780, MONDO:0016575, HP:0012265.

Submission:

Ambry Genetics
Classification: Uncertain significance for Primary ciliary dyskinesia. Last evaluated: 2022-06-02. Review status: criteria provided, single submitter. Criteria: Ambry Variant Classification Scheme 2023. Collection method: clinical testing. Allele origin: germline.
Comment: The p.P549S variant (also known as c.1645C>T), located in coding exon 15 of the NME8 gene, results from a C to T substitution at nucleotide position 1645. The proline at codon 549 is replaced by serine, an amino acid with similar properties. This amino acid position is conserved. In addition, the in silico prediction for this alteration is inconclusive. Since supporting evidence is limited at this time, the clinical significance of this alteration remains unclear.